The following is an entry in ClinVar:

NM_000138.5(FBN1):c.4527T>C (p.Tyr1509=)

Gene: FBN1 (fibrillin 1; minus strand). Cytogenetic location: 15q21.1.
Variant type: single nucleotide variant.
Coding change: c.4527T>C on transcript NM_000138.5 (MANE Select); coding-DNA position 4527, T replaced by C.
Protein change: p.Tyr1509=; no amino-acid change (tyrosine 1509 retained).
Molecular consequence: synonymous variant.
Genome position (GRCh38, 1-based): chr15:48,468,467, A>G on the plus strand (T>C on the coding strand, the complement: FBN1 is on the minus strand). VCF-style: chr15-48468467-A-G. GRCh37 (hg19) VCF-style: chr15-48760664-A-G.
Identifiers: ClinVar variation 513541 (VCV000513541.11), dbSNP rs776021250, ClinGen allele CA053194.

ClinVar aggregate classification (germline): Likely benign. Review status: criteria provided, multiple submitters, no conflicts (2 of 4 stars). 6 submissions from 6 submitters: Likely benign (6). Last evaluated 2025-10-18.

Conditions:
Familial thoracic aortic aneurysm and aortic dissection (TAAD). Also called: Thoracic aortic aneurysms and dissections. Identifiers: Orphanet 91387, MedGen C4707243, MONDO:0019625.
Marfan syndrome (MFS). Also called: Marfan syndrome type 1; Marfan syndrome, classic; Marfan's syndrome; FBN1-Related Marfan Syndrome; MARFAN SYNDROME, TYPE I. Identifiers: Orphanet 284963, Orphanet 558, MedGen C0024796, MONDO:0007947, OMIM 154700.

Allele frequency attached by ClinVar (database versions not stated): gnomAD exomes 0.00001; ExAC 0.00001; TOPMed 0.00001; gnomAD 0.00001.
gnomAD v4.1: 10 of 1,614,006 alleles (0.00062%); highest among the groups gnomAD compares: Non-Finnish European, 0.00085%; no homozygotes.

Submissions (6):

Labcorp Genetics (formerly Invitae), Labcorp
Classification: Likely benign for Marfan syndrome; Familial thoracic aortic aneurysm and aortic dissection. Last evaluated: 2025-10-18. Review status: criteria provided, single submitter. Criteria: Invitae Variant Classification Sherloc (09022015). Collection method: clinical testing. Allele origin: germline.

Ambry Genetics
Classification: Likely benign for Familial thoracic aortic aneurysm and aortic dissection. Last evaluated: 2025-03-31. Review status: criteria provided, single submitter. Criteria: Ambry Variant Classification Scheme 2023. Collection method: clinical testing. Allele origin: germline.

All of Us Research Program, National Institutes of Health
Classification: Likely benign for Marfan syndrome. Last evaluated: 2023-05-04. Review status: criteria provided, single submitter. Criteria: ACMG Guidelines, 2015. Collection method: clinical testing. Allele origin: germline. Inheritance: Autosomal dominant inheritance. Observed: 1 variant allele, 1 heterozygote.
Comment: This study involves interpretation of variants in research participants for the purpose of population health screening. Participant phenotype was not available at the time of variant classification. Additional details can be found in publication PMID: 35346344, PMCID: PMC8962531

Women's Health and Genetics/Laboratory Corporation of America, LabCorp
Classification: Likely benign. Last evaluated: 2020-12-21. Review status: criteria provided, single submitter. Criteria: LabCorp Variant Classification Summary - May 2015. Collection method: clinical testing. Allele origin: germline.

GeneDx
Classification: Likely benign. Last evaluated: 2020-10-28. Review status: criteria provided, single submitter. Criteria: GeneDx Variant Classification Process June 2021. Collection method: clinical testing. Allele origin: germline. Affected: yes.

Color Diagnostics, LLC DBA Color Health
Classification: Likely benign for Familial thoracic aortic aneurysm and aortic dissection. Last evaluated: 2019-02-16. Review status: criteria provided, single submitter. Criteria: ACMG Guidelines, 2015. Collection method: clinical testing. Allele origin: germline.